The following is an entry in ClinVar:

NM_001430.5(EPAS1):c.2397C>G (p.Phe799Leu)

Gene: EPAS1 (endothelial PAS domain protein 1; plus strand). Cytogenetic location: 2p21.
Variant type: single nucleotide variant.
Coding change: c.2397C>G on transcript NM_001430.5 (MANE Select); coding-DNA position 2397, C replaced by G.
Protein change: p.Phe799Leu; replaces phenylalanine 799 with leucine.
Molecular consequence: missense variant.
Genome position (GRCh38, 1-based): chr2:46,382,534, C>G. VCF-style: chr2-46382534-C-G. GRCh37 (hg19) VCF-style: chr2-46609673-C-G.
Other names: short protein forms F799L.
Identifiers: ClinVar variation 1790630 (VCV001790630.2), dbSNP rs1259285597, ClinGen allele CA346706241.

ClinVar aggregate classification (germline): Uncertain significance (1 of 4 stars; one submission).

Conditions:
Inborn genetic diseases. Identifiers: MedGen C0950123, MeSH D030342.

Allele frequency attached by ClinVar (database versions not stated): gnomAD exomes below 0.00001.
gnomAD v4.1: 1 of 1,614,154 alleles (0.000062%); highest among the groups gnomAD compares: Admixed American, 0.0017%; no homozygotes.

Submission:

Ambry Genetics
Classification: Uncertain significance for Inborn genetic diseases. Last evaluated: 2021-09-04. Review status: criteria provided, single submitter. Criteria: Ambry Variant Classification Scheme 2023. Collection method: clinical testing. Allele origin: germline.
Comment: The p.F799L variant (also known as c.2397C>G), located in coding exon 15 of the EPAS1 gene, results from a C to G substitution at nucleotide position 2397. The phenylalanine at codon 799 is replaced by leucine, an amino acid with highly similar properties. This amino acid position is conserved. In addition, this alteration is predicted to be tolerated by in silico analysis. Since supporting evidence is limited at this time, the clinical significance of this alteration remains unclear.